The following is an entry in ClinVar:

ClinVar aggregate classification (germline): Likely benign. Review status: criteria provided, multiple submitters, no conflicts (2 of 4 stars). 4 submissions from 4 submitters: Likely benign (4). Last evaluated 2025-10-13.

Allele frequency attached by ClinVar (database versions not stated): gnomAD 0.00009 and 0.00010; TOPMed 0.00012; gnomAD exomes 0.00004; ExAC 0.00008.
gnomAD v4.1: 233 of 1,582,070 alleles (0.015%); highest among the groups gnomAD compares: Non-Finnish European, 0.019%; no homozygotes.

Submissions (4):

Labcorp Genetics (formerly Invitae), Labcorp
Classification: Likely benign. Last evaluated: 2025-10-13. Review status: criteria provided, single submitter. Criteria: Invitae Variant Classification Sherloc (09022015). Collection method: clinical testing. Allele origin: germline.

Blueprint Genetics
Classification: Likely benign. Last evaluated: 2024-10-25. Review status: criteria provided, single submitter. Criteria: ACMG Guidelines, 2015. Collection method: clinical testing. Allele origin: germline.

CeGaT Center for Human Genetics Tuebingen
Classification: Likely benign. Last evaluated: 2024-10-01. Review status: criteria provided, single submitter. Criteria: CeGaT Center For Human Genetics Tuebingen Variant Classification Criteria Version 2. Collection method: clinical testing. Allele origin: germline. Affected: yes. Observed: 1 variant allele.
Comment: CHD8: BP4, BS2

GeneDx
Classification: Likely benign. Last evaluated: 2021-06-10. Review status: criteria provided, single submitter. Criteria: GeneDx Variant Classification Process June 2021. Collection method: clinical testing. Allele origin: germline. Affected: yes.

NM_001170629.2(CHD8):c.363A>G (p.Gln121=)

Gene: CHD8 (chromodomain helicase DNA binding protein 8; minus strand). Cytogenetic location: 14q11.2.
Variant type: single nucleotide variant.
Coding change: c.363A>G on transcript NM_001170629.2 (MANE Select); coding-DNA position 363, A replaced by G.
Protein change: p.Gln121=; no amino-acid change (glutamine 121 retained).
Molecular consequence: synonymous variant. On other transcripts: intron variant (1).
Genome position (GRCh38, 1-based): chr14:21,431,281, T>C on the plus strand (A>G on the coding strand, the complement: CHD8 is on the minus strand). VCF-style: chr14-21431281-T-C. GRCh37 (hg19) VCF-style: chr14-21899440-T-C.
Other names: c.6+530A>G (NM_020920.4).
Identifiers: ClinVar variation 1203443 (VCV001203443.23), dbSNP rs769622502, ClinGen allele CA7091966.